The following is an entry in ClinVar:

ClinVar aggregate classification (germline): Likely benign. Review status: criteria provided, multiple submitters, no conflicts (2 of 4 stars). 3 submissions from 3 submitters: Likely benign (3). Last evaluated 2026-01-24.

Conditions:
Hereditary diffuse leukoencephalopathy with spheroids. Also called: LEUKOENCEPHALOPATHY, ADULT-ONSET, WITH AXONAL SPHEROIDS AND PIGMENTED GLIA. Identifiers: Orphanet 313808, MedGen C3711381, MONDO:0030796.

Allele frequency attached by ClinVar (database versions not stated): gnomAD exomes 0.00002 and 0.00003; ExAC 0.00006; TOPMed 0.00007; gnomAD 0.00012 and 0.00013; ESP Exome Variant Server 0.00015; 1000 Genomes Project 30x 0.00031; 1000 Genomes Project 0.00040.
gnomAD v4.1: 52 of 1,614,212 alleles (0.0032%); highest among the groups gnomAD compares: African/African-American, 0.04%; no homozygotes.

Submissions (3):

Labcorp Genetics (formerly Invitae), Labcorp
Classification: Likely benign. Last evaluated: 2026-01-24. Review status: criteria provided, single submitter. Criteria: Invitae Variant Classification Sherloc (09022015). Collection method: clinical testing. Allele origin: germline.

Blueprint Genetics
Classification: Likely benign. Last evaluated: 2019-12-19. Review status: criteria provided, single submitter. Criteria: ACMG Guidelines, 2015. Collection method: clinical testing. Allele origin: germline.

Illumina Laboratory Services, Illumina
Classification: Likely benign for Leukoencephalopathy, diffuse hereditary, with spheroids 1. Last evaluated: 2018-01-13. Review status: criteria provided, single submitter. Criteria: ICSL Variant Classification Criteria 13 December 2019. Collection method: clinical testing. Allele origin: germline.
Comment: This variant was observed in the ICSL laboratory as part of a predisposition screen in an ostensibly healthy population. It had not been previously curated by ICSL or reported in the Human Gene Mutation Database (HGMD: prior to June 1st, 2018), and was therefore a candidate for classification through an automated scoring system. Utilizing variant allele frequency, disease prevalence and penetrance estimates, and inheritance mode, an automated score was calculated to assess if this variant is too frequent to cause the disease. Based on the score and internal cut-off values, a variant classified as likely benign is not then subjected to further curation. The score for this variant resulted in a classification of likely benign for this disease.

NM_001288705.3(CSF1R):c.2508C>T (p.Ser836=)

Gene: CSF1R (colony stimulating factor 1 receptor; minus strand). Cytogenetic location: 5q32.
Variant type: single nucleotide variant.
Coding change: c.2508C>T on transcript NM_001288705.3 (MANE Select); coding-DNA position 2508, C replaced by T.
Protein change: p.Ser836=; no amino-acid change (serine 836 retained).
Molecular consequence: synonymous variant. On other transcripts: non-coding transcript variant (2).
Genome position (GRCh38, 1-based): chr5:150,056,072, G>A on the plus strand (C>T on the coding strand, the complement: CSF1R is on the minus strand). VCF-style: chr5-150056072-G-A. GRCh37 (hg19) VCF-style: chr5-149435635-G-A.
Other names: c.2508C>T, p.Ser836= (NM_001349736.2, NM_001375320.1, NM_005211.4); c.2064C>T, p.Ser688= (NM_001375321.1).
Identifiers: ClinVar variation 352133 (VCV000352133.14), dbSNP rs146691087, ClinGen allele CA3506419.
Genomic context (GRCh38, chr5:150,056,072, plus strand): 5'-GCCCAGTGGCTCACCAAGTGAGAAGATCTCCCAGAGGAGGATGCCATAGGACCAGACGTC[G>A]CTCTGAACCGTGTAGACACAGTCAAAGATGCTCTCTGGGGCCATCCACTTCACAGGCAGG-3'
Protein context (NP_001275634.1, residues 826-846): SIFDCVYTVQ[Ser836=]DVWSYGILLW